The following is an entry in ClinVar:

ClinVar aggregate classification (germline): Uncertain significance (1 of 4 stars; one submission).

Conditions:
Emery-Dreifuss muscular dystrophy 5, autosomal dominant (EDMD5). Also called: EMERY-DREIFUSS MUSCULAR DYSTROPHY 5. Identifiers: Orphanet 261, MedGen C2751805, MONDO:0013072, OMIM 612999.

Submission:

Labcorp Genetics (formerly Invitae), Labcorp
Classification: Uncertain significance for Emery-Dreifuss muscular dystrophy 5, autosomal dominant. Last evaluated: 2024-10-23. Review status: criteria provided, single submitter. Criteria: Invitae Variant Classification Sherloc (09022015). Collection method: clinical testing. Allele origin: germline.
Comment: This sequence change replaces leucine, which is neutral and non-polar, with arginine, which is basic and polar, at codon 4302 of the SYNE2 protein (p.Leu4302Arg). This variant is not present in population databases (gnomAD no frequency). This variant has not been reported in the literature in individuals affected with SYNE2-related conditions. An algorithm developed to predict the effect of missense changes on protein structure and function (PolyPhen-2) suggests that this variant is likely to be disruptive. In summary, the available evidence is currently insufficient to determine the role of this variant in disease. Therefore, it has been classified as a Variant of Uncertain Significance.

NM_182914.3(SYNE2):c.12905T>G (p.Leu4302Arg)

Gene: SYNE2 (spectrin repeat containing nuclear envelope protein 2; plus strand). Cytogenetic location: 14q23.2.
Variant type: single nucleotide variant.
Coding change: c.12905T>G on transcript NM_182914.3 (MANE Select); coding-DNA position 12905, T replaced by G.
Protein change: p.Leu4302Arg; replaces leucine 4302 with arginine.
Molecular consequence: missense variant.
Genome position (GRCh38, 1-based): chr14:64,119,491, T>G. VCF-style: chr14-64119491-T-G. GRCh37 (hg19) VCF-style: chr14-64586209-T-G.
Other names: c.12905T>G, p.Leu4302Arg (NM_015180.6); short protein forms L4302R.
Identifiers: ClinVar variation 3723657 (VCV003723657.2).